The following is an entry in ClinVar:

ClinVar aggregate classification (germline): Pathogenic. Review status: criteria provided, multiple submitters, no conflicts (2 of 4 stars). 10 submissions from 9 submitters: Pathogenic (8). 2 of the submissions do not count toward it. Last evaluated 2026-07-11.

Conditions:
DCDC2-related disorder. Also called: DCDC2-related condition.
DCDC2-related disorders.
Isolated neonatal sclerosing cholangitis (NSC). Also called: Sclerosing cholangitis, neonatal. Identifiers: Orphanet 480556, MedGen C4479344, MONDO:0018816, OMIM 617394.
Autosomal recessive nonsyndromic hearing loss 66 (DFNB66). Also called: Deafness, autosomal recessive 66. Identifiers: Orphanet 90636, MedGen C1857750, MONDO:0012442, OMIM 610212.
Nephronophthisis 19 (NPHP19). Identifiers: Orphanet 84081, MedGen C4015542, MONDO:0014537, OMIM 616217.
Dyslexia, susceptibility to, 2. Also called: READING DISABILITY, SPECIFIC, 2. Identifiers: MedGen C1838436, MONDO:0010843, OMIM 600202.

Submissions (10):

PreventionGenetics, part of Exact Sciences
Classification: Pathogenic for DCDC2-related condition. Last evaluated: 2026-07-11. Review status: criteria provided, single submitter. Criteria: ACMG Guidelines, 2015. Collection method: clinical testing. Allele origin: germline.
Comment: The DCDC2 c.123_124delGT variant is predicted to result in a frameshift and premature protein termination (p.Ser42Glnfs*72). This variant has been reported with a second pathogenic variant to be causative in patients with autosomal recessive neonatal sclerosing cholangitis and nephronophthisis-related ciliopathy (Schueler et al. 2015. PubMed ID: 25557784; Grammatikopoulos et al. 2016. PubMed ID: 27469900). This variant has also been reported in the compound heterozygous state in a patient with hepatorenal disease (Azabdaftari et al. 2023. PubMed ID: 36938759). This variant is reported in 0.0036% of alleles in individuals of European (Non-Finnish) descent in gnomAD. In ClinVar, this variant is also interpretated as pathogenic. We classify this variant as pathogenic.

GeneDx
Classification: Pathogenic. Last evaluated: 2026-02-24. Review status: criteria provided, single submitter. Criteria: GeneDx Variant Classification Process June 2021. Collection method: clinical testing. Allele origin: germline.
Comment: Published functional studies found this variant is associated with altered signaling and cilia defects (PMID: 25557784); Frameshift variant predicted to result in protein truncation or nonsense mediated decay in a gene for which loss of function is a known mechanism of disease; Not observed at significant frequency in large population cohorts (gnomAD); This variant is associated with the following publications: (PMID: 36938759, 25557784, 36816379, 37296768, 27469900)

Fulgent Genetics
Classification: Pathogenic for Autosomal recessive nonsyndromic hearing loss 66; Nephronophthisis 19; Isolated neonatal sclerosing cholangitis. Last evaluated: 2024-04-16. Review status: criteria provided, single submitter. Criteria: ACMG Guidelines, 2015. Collection method: clinical testing. Allele origin: germline.

Pittsburgh Clinical Genomics Laboratory, University of Pittsburgh Medical Center
Classification: Pathogenic for Isolated neonatal sclerosing cholangitis. Last evaluated: 2024-03-14. Review status: criteria provided, single submitter. Criteria: ACMG Guidelines, 2015. Collection method: clinical testing. Allele origin: germline. Inheritance: Autosomal recessive inheritance. Affected: yes.
Comment: This sequence variant is a 2 nucleotide deletion (delGT) in the exon 1 of 10 of the DCDC2 gene that results in an early termination codon 72 amino acids downstream of the frameshift at codon 42. This variant is predicted to generate a non-functional allele through either the expression of a truncated protein or a loss of doublecortin domain containing 2 expression due to nonsense mediated decay. This is a previously reported variant (ClinVar 180688) that has been observed in both homozygous and compound heterozygous states in individuals affected by hepatic ciliopathy and neonatal sclerosing cholangitis (PMID: 25557784, 37296768, 27469900, 36938759). This variant is present in 5 of 400306 alleles (0.0012%) in the gnomAD population dataset. Functional studies have found that the protein resulting from this variant failed to properly localize in the primary cilium, did not interact with its protein partners, and could not rescue mouse kidney cells in which DCDC2 expression was knocked-down (PMID: 25557784). Based upon the evidence, we consider this variant to be pathogenic. ACMG Criteria: PM2, PS3, PVS1

Blueprint Genetics
Classification: Pathogenic for DCDC2-related disorders. Last evaluated: 2023-10-10. Review status: criteria provided, single submitter. Criteria: ACMG Guidelines, 2015. Collection method: clinical testing. Allele origin: germline. Affected: yes. Observed: 5 variant alleles.

Genetic Services Laboratory, University of Chicago
Classification: Pathogenic. Last evaluated: 2023-09-07. Review status: criteria provided, single submitter. Criteria: ACMG Guidelines, 2015. Collection method: clinical testing. Allele origin: germline. Affected: yes.
Comment: DNA sequence analysis of the DCDC2 gene demonstrated a 2 base pair deletion in exon 1, c.123_124del. This sequence change results in an amino acid frameshift and creates a premature stop codon 72 amino acids downstream of the change, p.Ser42Glnfs*72. This sequence change is predicted to result in an abnormal transcript, which may be degraded, or may lead to the production of a truncated DCDC2 protein with potentially abnormal function. This sequence change has been described in the gnomAD database with a frequency of 0.004% in the European (non-Finnish) subpopulation (dbSNP rs757704417). This pathogenic sequence change has previously been described in an individual with DCDC2-related disorders [PMID: 25557784]; in addition, other deletions/duplications in the DCDC2 gene have been described in several individuals with DCDC2-related disorders [PMID: 31821705, 25557784]. Functional studies in cell models of the p.Ser42Glnfs*72 sequence change demonstrate altered subcellular localization of the altered DCDC2 protein versus wild-type DCDC2 [PMID: 25557784]. These collective evidences indicate that this sequence change is pathogenic.

Labcorp Genetics (formerly Invitae), Labcorp
Classification: Pathogenic for Autosomal recessive nonsyndromic hearing loss 66; Isolated neonatal sclerosing cholangitis. Last evaluated: 2022-04-22. Review status: criteria provided, single submitter. Criteria: Invitae Variant Classification Sherloc (09022015). Collection method: clinical testing. Allele origin: germline.
Comment: For these reasons, this variant has been classified as Pathogenic. ClinVar contains an entry for this variant (Variation ID: 180688). This premature translational stop signal has been observed in individual(s) with DCDC2-related conditions (PMID: 25557784, 27469900). This variant is present in population databases (rs757704417, gnomAD 0.003%). This sequence change creates a premature translational stop signal (p.Ser42Glnfs*72) in the DCDC2 gene. It is expected to result in an absent or disrupted protein product. Loss-of-function variants in DCDC2 are known to be pathogenic (PMID: 27319779, 27469900).

Baylor Genetics
Classification: Pathogenic for Dyslexia, susceptibility to, 2. Last evaluated: 2018-09-20. Review status: criteria provided, single submitter. Criteria: ACMG Guidelines, 2015. Collection method: clinical testing. Allele origin: maternal. Affected: yes.
Comment: This variant was determined to be pathogenic according to ACMG Guidelines, 2015 [PMID:25741868].

OMIM
Classification: Pathogenic for NEPHRONOPHTHISIS 19. Last evaluated: 2015-01-08. Review status: no assertion criteria provided. Collection method: literature only. Allele origin: germline. Not counted in ClinVar's aggregate classification.

OMIM
Classification: Pathogenic for SCLEROSING CHOLANGITIS, NEONATAL. Last evaluated: 2015-01-08. Review status: no assertion criteria provided. Collection method: literature only. Allele origin: germline. Not counted in ClinVar's aggregate classification.

Literature cited by the submitters: PubMed 36938759 (cited by Pittsburgh Clinical Genomics Laboratory, University of Pittsburgh Medical Center); PubMed 37296768 (cited by Pittsburgh Clinical Genomics Laboratory, University of Pittsburgh Medical Center); PubMed 27469900 (cited by 3 submitters); PubMed 25557784 (cited by 3 submitters); PubMed 27319779 (cited by Labcorp Genetics (formerly Invitae), Labcorp).

NM_016356.5(DCDC2):c.123_124del (p.Ser42fs)

Genes: DCDC2 (doublecortin domain containing 2; minus strand), KAAG1 (kidney associated DCDC2 antisense RNA 1; plus strand). Cytogenetic location: 6p22.3.
Variant type: Microsatellite.
Coding change: c.123_124del on transcript NM_016356.5 (MANE Select); coding-DNA positions 123 to 124, 2 bases deleted (GT; older notation c.123_124delGT).
Protein change: p.Ser42fs; shifts the reading frame from serine 42.
Molecular consequence: frameshift variant.
Genome position (GRCh38, 1-based): chr6:24,357,627-24,357,628, AC deleted on the plus strand (GT on the coding strand, the reverse complement: DCDC2 is on the minus strand); deleting any 2 consecutive bases within chr6:24,357,627-24,357,630 gives the same sequence; the c. name uses the placement nearest the transcript's 3' end. VCF-style (leftmost placement, unchanged base first): chr6-24357626-GAC-G. GRCh37 (hg19) VCF-style: chr6-24357854-GAC-G.
Other names: c.123_124del, p.Ser42fs (NM_001195610.2); c.123_124delGT (NM_001195610.1, NM_016356.4); short protein forms S42fs.
Identifiers: ClinVar variation 180688 (VCV000180688.14), dbSNP rs757704417, ClinGen allele CA3654879.